The following is an entry in ClinVar:

NM_005220.3(DLX3):c.32G>C (p.Ser11Thr)

Gene: DLX3 (distal-less homeobox 3; minus strand). Cytogenetic location: 17q21.33.
Variant type: single nucleotide variant.
Coding change: c.32G>C on transcript NM_005220.3 (MANE Select); coding-DNA position 32, G replaced by C.
Protein change: p.Ser11Thr; replaces serine 11 with threonine.
Molecular consequence: missense variant.
Genome position (GRCh38, 1-based): chr17:49,994,967, C>G on the plus strand (G>C on the coding strand, the complement: DLX3 is on the minus strand). VCF-style: chr17-49994967-C-G. GRCh37 (hg19) VCF-style: chr17-48072331-C-G.
Other names: short protein forms S11T.
Identifiers: ClinVar variation 2983177 (VCV002983177.3), dbSNP rs1370825778, ClinGen allele CA400179568.

ClinVar aggregate classification (germline): Uncertain significance (1 of 4 stars; one submission).

Allele frequency attached by ClinVar (database versions not stated): gnomAD exomes below 0.00001; TOPMed 0.00002; gnomAD 0.00001.
gnomAD v4.1: 4 of 1,612,848 alleles (0.00025%); highest among the groups gnomAD compares: African/African-American, 0.0053%; no homozygotes.

Submission:

Labcorp Genetics (formerly Invitae), Labcorp
Classification: Uncertain significance. Last evaluated: 2025-04-17. Review status: criteria provided, single submitter. Criteria: Invitae Variant Classification Sherloc (09022015). Collection method: clinical testing. Allele origin: germline.
Comment: This sequence change replaces serine, which is neutral and polar, with threonine, which is neutral and polar, at codon 11 of the DLX3 protein (p.Ser11Thr). This variant is present in population databases (no rsID available, gnomAD 0.008%). This variant has not been reported in the literature in individuals affected with DLX3-related conditions. ClinVar contains an entry for this variant (Variation ID: 2983177). An algorithm developed to predict the effect of missense changes on protein structure and function (PolyPhen-2) suggests that this variant is likely to be disruptive. In summary, the available evidence is currently insufficient to determine the role of this variant in disease. Therefore, it has been classified as a Variant of Uncertain Significance.